The following is an entry in ClinVar:

NM_053025.4(MYLK):c.5461G>A (p.Val1821Met)

Genes: MYLK (myosin light chain kinase; minus strand), MYLK-AS1 (MYLK antisense RNA 1; plus strand). Cytogenetic location: 3q21.1.
Variant type: single nucleotide variant.
Coding change: c.5461G>A on transcript NM_053025.4 (MANE Select); coding-DNA position 5461, G replaced by A.
Protein change: p.Val1821Met; replaces valine 1821 with methionine.
Molecular consequence: missense variant.
Genome position (GRCh38, 1-based): chr3:123,618,678, C>T on the plus strand (G>A on the coding strand, the complement: MYLK is on the minus strand). VCF-style: chr3-123618678-C-T. GRCh37 (hg19) VCF-style: chr3-123337525-C-T.
Other names: c.178G>A, p.Val60Met (NM_053031.4, NM_001438035.1); c.181G>A, p.Val61Met (NM_053032.4); c.4933G>A, p.Val1645Met (NM_001321309.2); c.5254G>A, p.Val1752Met (NM_053026.4); c.5308G>A, p.Val1770Met (NM_053027.4); c.5101G>A, p.Val1701Met (NM_053028.4); short protein forms V1645M, V1701M, V1752M, V1770M, V1821M, V60M, V61M.
Identifiers: ClinVar variation 4860620 (VCV004860620.1).

ClinVar aggregate classification (germline): Uncertain significance (1 of 4 stars; one submission).

Conditions:
Familial thoracic aortic aneurysm and aortic dissection (TAAD). Also called: Thoracic aortic aneurysms and dissections. Identifiers: Orphanet 91387, MedGen C4707243, MONDO:0019625.

Submission:

Ambry Genetics
Classification: Uncertain significance for Familial thoracic aortic aneurysm and aortic dissection. Last evaluated: 2026-05-11. Review status: criteria provided, single submitter. Criteria: Ambry Variant Classification Scheme 2023. Collection method: clinical testing. Allele origin: germline.
Comment: The p.V1821M variant (also known as c.5461G>A), located in coding exon 30 of the MYLK gene, results from a G to A substitution at nucleotide position 5461. The valine at codon 1821 is replaced by methionine, an amino acid with highly similar properties. This amino acid position is highly conserved in available vertebrate species. In addition, the in silico prediction for this alteration is inconclusive. Based on the available evidence, the clinical significance of this variant remains unclear.